The following is an entry in ClinVar:

NM_001048174.2(MUTYH):c.1240-6C>T

Gene: MUTYH (mutY DNA glycosylase; minus strand). Cytogenetic location: 1p34.1.
Variant type: single nucleotide variant.
Coding change: c.1240-6C>T on transcript NM_001048174.2 (MANE Select); 6 bases into the intron before coding-DNA position 1240, C replaced by T.
Molecular consequence: intron variant.
Genome position (GRCh38, 1-based): chr1:45,331,340, G>A on the plus strand (C>T on the coding strand, the complement: MUTYH is on the minus strand). VCF-style: chr1-45331340-G-A. GRCh37 (hg19) VCF-style: chr1-45797012-G-A.
Other names: c.895-6C>T (NM_001350651.2, NM_001350650.2); c.964-6C>T (NM_001293192.2, NM_001293196.2); c.1240-6C>T (NM_001048171.2, NM_001048173.2, NM_001293195.2); c.1285-6C>T (NM_001293190.2); c.1315-6C>T (NM_012222.3); c.1324-6C>T (NM_001128425.2); c.1243-6C>T (NM_001048172.2); c.1273-6C>T (NM_001293191.2).
Identifiers: ClinVar variation 464688 (VCV000464688.9), dbSNP rs1553125351, ClinGen allele CA658656916.

ClinVar aggregate classification (germline): Likely benign. Review status: criteria provided, multiple submitters, no conflicts (2 of 4 stars). 2 submissions from 2 submitters: Likely benign (2). Last evaluated 2023-06-26.

Conditions:
Familial adenomatous polyposis 2. Also called: COLORECTAL ADENOMATOUS POLYPOSIS, AUTOSOMAL RECESSIVE; ADENOMAS, MULTIPLE COLORECTAL, AUTOSOMAL RECESSIVE; MUTYH-associated polyposis; FAP type 2; MUTYH-related attenuated familial adenomatous polyposis; Adenomas, multiple colorectal. Identifiers: Orphanet 220460, Orphanet 247798, MedGen C3272841, MONDO:0012041, OMIM 608456.

gnomAD v4.1: 1 of 1,614,216 alleles (0.000062%); no homozygotes.

Submissions (2):

All of Us Research Program, National Institutes of Health
Classification: Likely benign for Familial adenomatous polyposis 2. Last evaluated: 2023-06-26. Review status: criteria provided, single submitter. Criteria: ACMG Guidelines, 2015. Collection method: clinical testing. Allele origin: germline. Inheritance: Autosomal recessive inheritance. Observed: 1 variant allele, 1 heterozygote.
Comment: This study involves interpretation of variants in research participants for the purpose of population health screening. Participant phenotype was not available at the time of variant classification. Additional details can be found in publication PMID: 35346344, PMCID: PMC8962531

Labcorp Genetics (formerly Invitae), Labcorp
Classification: Likely benign for Familial adenomatous polyposis 2. Last evaluated: 2021-12-03. Review status: criteria provided, single submitter. Criteria: Invitae Variant Classification Sherloc (09022015). Collection method: clinical testing. Allele origin: germline.